The following is an entry in ClinVar:

ClinVar aggregate classification (germline): Uncertain significance (1 of 4 stars; one submission).

Submission:

GeneDx
Classification: Uncertain significance. Last evaluated: 2025-08-12. Review status: criteria provided, single submitter. Criteria: GeneDx Variant Classification Process June 2021. Collection method: clinical testing. Allele origin: germline. Affected: yes.
Comment: Not observed at significant frequency in large population cohorts (gnomAD); In silico analysis supports that this missense variant has a deleterious effect on protein structure/function; Has not been previously published as pathogenic or benign to our knowledge

NM_144973.4(DENND5B):c.1625A>G (p.Asp542Gly)

Gene: DENND5B (DENN domain containing 5B; minus strand). Cytogenetic location: 12p11.21.
Variant type: single nucleotide variant.
Coding change: c.1625A>G on transcript NM_144973.4 (MANE Select); coding-DNA position 1625, A replaced by G.
Protein change: p.Asp542Gly; replaces aspartic acid 542 with glycine.
Molecular consequence: missense variant.
Genome position (GRCh38, 1-based): chr12:31,451,944, T>C on the plus strand (A>G on the coding strand, the complement: DENND5B is on the minus strand). VCF-style: chr12-31451944-T-C. GRCh37 (hg19) VCF-style: chr12-31604878-T-C.
Other names: c.1730A>G, p.Asp577Gly (NM_001308339.2); c.1691A>G, p.Asp564Gly (NM_001366890.1, NM_001366893.1); c.1094A>G, p.Asp365Gly (NM_001366891.1); c.1625A>G, p.Asp542Gly (NM_001366892.1); short protein forms D365G, D577G, D542G, D564G.
Identifiers: ClinVar variation 4795728 (VCV004795728.1).